The following is an entry in ClinVar:

ClinVar aggregate classification (germline): Uncertain significance (1 of 4 stars; one submission).

Submission:

ARUP Laboratories, Molecular Genetics and Genomics, ARUP Laboratories
Classification: Uncertain significance. Last evaluated: 2017-08-18. Review status: criteria provided, single submitter. Criteria: ARUP Molecular Germline Variant Investigation Process. Collection method: clinical testing. Allele origin: germline.
Comment: The p.His258Asp variant has not been reported in the medical literature, is not listed in gene-specific variant databases, nor has it been previously identified in our laboratory. It is also absent from general population databases such as the Exome Variant Server, the Genome Aggregation Database (gnomAD) browser, and 1000 Genomes. The histidine at codon 258 is highly conserved considering 12 species up C. elegans (Alamut software v2.9) and computational analyses suggest that this variant has an impact on CACNB2 protein structure/function (PolyPhen2: probably damaging, SIFT: damaging, and MutationTaster: disease causing). However, based on the available information, the clinical significance of this variant cannot be determined with certainty.

NM_201596.3(CACNB2):c.928C>G (p.His310Asp)

Gene: CACNB2 (calcium voltage-gated channel auxiliary subunit beta 2; plus strand). Cytogenetic location: 10p12.31.
Variant type: single nucleotide variant.
Coding change: c.928C>G on transcript NM_201596.3 (MANE Select); coding-DNA position 928, C replaced by G.
Protein change: p.His310Asp; replaces histidine 310 with aspartic acid.
Molecular consequence: missense variant.
Genome position (GRCh38, 1-based): chr10:18,518,952, C>G. VCF-style: chr10-18518952-C-G. GRCh37 (hg19) VCF-style: chr10-18807881-C-G.
Other names: c.649C>G, p.His217Asp (NM_001330060.2); c.784C>G, p.His262Asp (NM_201570.3); c.844C>G, p.His282Asp (NM_201571.4); c.772C>G, p.His258Asp (NM_201572.4); c.766C>G, p.His256Asp (NM_201590.3); c.814C>G, p.His272Asp (NM_201593.3); c.856C>G, p.His286Asp (NM_201597.3); c.763C>G, p.His255Asp (NM_000724.4); and 1 more; short protein forms H256D, H310D, H258D, H272D, H244D, H262D, H286D, H217D.
Identifiers: ClinVar variation 618001 (VCV000618001.8), dbSNP rs1564644251, ClinGen allele CA376061868.
Genomic context (GRCh38, chr10:18,518,952, plus strand): 5'-TTGCTTGCTCAATTGCAGGTCACAGATATGATGCAAAAAGCGCTGTTTGATTTTTTAAAA[C>G]ACAGATTTGAAGGGCGGTGAGTATTTCAGCATACTGGGTTTTGTGGATTTTGTCTTAAAG-3'
Protein context (NP_963890.2, residues 300-320): MQKALFDFLK[His310Asp]RFEGRISITR